The following is an entry in ClinVar:

NM_000368.5(TSC1):c.1330T>A (p.Ser444Thr)

Gene: TSC1 (TSC complex subunit 1; minus strand). Cytogenetic location: 9q34.13.
Variant type: single nucleotide variant.
Coding change: c.1330T>A on transcript NM_000368.5 (MANE Select); coding-DNA position 1330, T replaced by A.
Protein change: p.Ser444Thr; replaces serine 444 with threonine.
Molecular consequence: missense variant. On other transcripts: non-coding transcript variant (5).
Genome position (GRCh38, 1-based): chr9:132,907,304, A>T on the plus strand (T>A on the coding strand, the complement: TSC1 is on the minus strand). VCF-style: chr9-132907304-A-T. GRCh37 (hg19) VCF-style: chr9-135782691-A-T.
Other names: c.1327T>A, p.Ser443Thr (NM_001162426.2, NM_001406600.1, NM_001406603.1 and 6 more transcripts); c.1330T>A, p.Ser444Thr (NM_001406601.1, NM_001406602.1, NM_001406605.1 and 7 more transcripts); c.967T>A, p.Ser323Thr (NM_001406619.1, NM_001406624.1, NM_001362177.2 and 5 more transcripts); c.964T>A, p.Ser322Thr (NM_001406620.1, NM_001406621.1, NM_001406622.1 and 2 more transcripts); c.379T>A, p.Ser127Thr (NM_001406626.1); c.376T>A, p.Ser126Thr (NM_001406627.1, NM_001406628.1); c.277T>A, p.Ser93Thr (NM_001406629.1, NM_001406630.1); c.1177T>A, p.Ser393Thr (NM_001162427.2, NM_001406610.1); and 1 more; short protein forms S127T, S443T, S93T, S322T, S393T, S323T, S444T, S126T.
Identifiers: ClinVar variation 2792817 (VCV002792817.3), dbSNP rs1467702182, ClinGen allele CA375366082.
Genomic context (GRCh38, chr9:132,907,304, plus strand): 5'-CACATATAACCCAATTAGAAGAGGCAAGCAAGGCCTGTAGTAACGCAGAAATTTTACCTG[A>T]TCCTCTGTCATTCAGAAGATGGTGTTGTCTGTGTAGACATGGTCTTGCAGAATCCATTCT-3'
Protein context (NP_000359.1, residues 434-454): RQHHLLNDRG[Ser444Thr]EEPPGSKGSV

ClinVar aggregate classification (germline): Uncertain significance (1 of 4 stars; one submission).

Conditions:
Tuberous sclerosis 1 (TSC1). Identifiers: Orphanet 805, MedGen C1854465, MONDO:0008612, OMIM 191100.

Submission:

Labcorp Genetics (formerly Invitae), Labcorp
Classification: Uncertain significance for Tuberous sclerosis 1. Last evaluated: 2024-03-24. Review status: criteria provided, single submitter. Criteria: Invitae Variant Classification Sherloc (09022015). Collection method: clinical testing. Allele origin: germline.
Comment: This sequence change replaces serine, which is neutral and polar, with threonine, which is neutral and polar, at codon 444 of the TSC1 protein (p.Ser444Thr). This variant is not present in population databases (gnomAD no frequency). This variant has not been reported in the literature in individuals affected with TSC1-related conditions. Advanced modeling of protein sequence and biophysical properties (such as structural, functional, and spatial information, amino acid conservation, physicochemical variation, residue mobility, and thermodynamic stability) performed at Invitae indicates that this missense variant is not expected to disrupt TSC1 protein function with a negative predictive value of 95%. In summary, the available evidence is currently insufficient to determine the role of this variant in disease. Therefore, it has been classified as a Variant of Uncertain Significance.